The following is an entry in ClinVar:

NM_032119.4(ADGRV1):c.10564_10565dup (p.Gly3523fs)

Gene: ADGRV1 (adhesion G protein-coupled receptor V1; plus strand). Cytogenetic location: 5q14.3.
Variant type: Duplication.
Coding change: c.10564_10565dup on transcript NM_032119.4 (MANE Select); coding-DNA positions 10564 to 10565, 2 bases duplicated (AT; older notation c.10564_10565dupAT).
Protein change: p.Gly3523fs; shifts the reading frame from glycine 3523.
Molecular consequence: frameshift variant. On other transcripts: non-coding transcript variant (1).
Genome position (GRCh38, 1-based): chr5:90,745,060-90,745,061, AT duplicated; duplicating any 2 consecutive bases within chr5:90,745,059-90,745,061 gives the same sequence; the c. name uses the placement nearest the transcript's 3' end. VCF-style (leftmost placement, unchanged base first): chr5-90745058-T-TTA. GRCh37 (hg19) VCF-style: chr5-90040875-T-TTA.
Other names: short protein forms G3523fs.
Identifiers: ClinVar variation 1375155 (VCV001375155.6), dbSNP rs2149911019, ClinGen allele CA2573139994.

ClinVar aggregate classification (germline): Pathogenic (1 of 4 stars; one submission).

Submission:

Labcorp Genetics (formerly Invitae), Labcorp
Classification: Pathogenic. Last evaluated: 2026-01-12. Review status: criteria provided, single submitter. Criteria: Invitae Variant Classification Sherloc (09022015). Collection method: clinical testing. Allele origin: germline.
Comment: This sequence change creates a premature translational stop signal (p.Gly3523Leufs*35) in the ADGRV1 gene. It is expected to result in an absent or disrupted protein product. Loss-of-function variants in ADGRV1 are known to be pathogenic (PMID: 19357117, 22135276, 22147658, 26226137, 30718709, 31047384, 32467589). This variant is not present in population databases (gnomAD no frequency). This variant has not been reported in the literature in individuals affected with ADGRV1-related conditions. ClinVar contains an entry for this variant (Variation ID: 1375155). For these reasons, this variant has been classified as Pathogenic.

Literature cited by the submitters: PubMed 19357117; PubMed 22135276; PubMed 22147658; PubMed 26226137; PubMed 30718709; PubMed 31047384; PubMed 32467589.